The following is an entry in ClinVar:

NM_001458.5(FLNC):c.7994C>T (p.Thr2665Ile)

Genes: FLNC (filamin C; plus strand), FLNC-AS1 (FLNC antisense RNA 1; minus strand). Cytogenetic location: 7q32.1.
Variant type: single nucleotide variant.
Coding change: c.7994C>T on transcript NM_001458.5 (MANE Select); coding-DNA position 7994, C replaced by T.
Protein change: p.Thr2665Ile; replaces threonine 2665 with isoleucine.
Molecular consequence: missense variant.
Genome position (GRCh38, 1-based): chr7:128,858,339, C>T. VCF-style: chr7-128858339-C-T. GRCh37 (hg19) VCF-style: chr7-128498393-C-T.
Other names: c.7895C>T, p.Thr2632Ile (NM_001127487.2); short protein forms T2665I, T2632I.
Identifiers: ClinVar variation 4842736 (VCV004842736.1).

ClinVar aggregate classification (germline): Uncertain significance (1 of 4 stars; one submission).

Conditions:
Cardiovascular phenotype. Identifiers: MedGen CN230736.

Submission:

Ambry Genetics
Classification: Uncertain significance for Cardiovascular phenotype. Last evaluated: 2025-12-24. Review status: criteria provided, single submitter. Criteria: Ambry Variant Classification Scheme 2023. Collection method: clinical testing. Allele origin: germline.
Comment: The p.T2665I variant (also known as c.7994C>T), located in coding exon 48 of the FLNC gene, results from a C to T substitution at nucleotide position 7994. The threonine at codon 2665 is replaced by isoleucine, an amino acid with similar properties. This amino acid position is conserved. In addition, the in silico prediction for this alteration is inconclusive. Based on the available evidence, the clinical significance of this variant remains unclear.